The following is an entry in ClinVar:

NM_001145809.2(MYH14):c.1782G>C (p.Arg594Ser)

Gene: MYH14 (myosin heavy chain 14; plus strand). Cytogenetic location: 19q13.33.
Variant type: single nucleotide variant.
Coding change: c.1782G>C on transcript NM_001145809.2 (MANE Select); coding-DNA position 1782, G replaced by C.
Protein change: p.Arg594Ser; replaces arginine 594 with serine.
Molecular consequence: missense variant.
Genome position (GRCh38, 1-based): chr19:50,250,640, G>C. VCF-style: chr19-50250640-G-C. GRCh37 (hg19) VCF-style: chr19-50753897-G-C.
Other names: c.1782G>C, p.Arg594Ser (NM_001077186.2); c.1758G>C, p.Arg586Ser (NM_024729.4); short protein forms R586S, R594S.
Identifiers: ClinVar variation 2500371 (VCV002500371.2), dbSNP rs2514362240, ClinGen allele CA406960275.

ClinVar aggregate classification (germline): Uncertain significance (1 of 4 stars; one submission).

Submission:

GeneDx
Classification: Uncertain significance. Last evaluated: 2025-01-22. Review status: criteria provided, single submitter. Criteria: GeneDx Variant Classification Process June 2021. Collection method: clinical testing. Allele origin: germline.
Comment: In silico analysis indicates that this missense variant does not alter protein structure/function; Not observed at significant frequency in large population cohorts (gnomAD); Has not been previously published as pathogenic or benign to our knowledge